The following is an entry in ClinVar:

ClinVar aggregate classification (germline): Uncertain significance (1 of 4 stars; one submission).

Allele frequency attached by ClinVar (database versions not stated): ExAC 0.00003; gnomAD 0.00003 and 0.00004; gnomAD exomes 0.00003 and 0.00004; TOPMed 0.00006; ESP Exome Variant Server 0.00015.
gnomAD v4.1: 42 of 1,613,908 alleles (0.0026%); highest among the groups gnomAD compares: Admixed American, 0.013%; no homozygotes.

Submission:

Labcorp Genetics (formerly Invitae), Labcorp
Classification: Uncertain significance. Last evaluated: 2025-12-08. Review status: criteria provided, single submitter. Criteria: Invitae Variant Classification Sherloc (09022015). Collection method: clinical testing. Allele origin: germline.
Comment: This sequence change replaces arginine, which is basic and polar, with glutamine, which is neutral and polar, at codon 1021 of the IGSF10 protein (p.Arg1021Gln). This variant is present in population databases (rs35114212, gnomAD 0.01%). This variant has not been reported in the literature in individuals affected with IGSF10-related conditions. ClinVar contains an entry for this variant (Variation ID: 1449686). An algorithm developed to predict the effect of missense changes on protein structure and function outputs the following: PolyPhen-2: "Probably Damaging". The glutamine amino acid residue is found in multiple mammalian species, which suggests that this missense change does not adversely affect protein function. In summary, the available evidence is currently insufficient to determine the role of this variant in disease. Therefore, it has been classified as a Variant of Uncertain Significance.

NM_178822.5(IGSF10):c.3062G>A (p.Arg1021Gln)

Gene: IGSF10 (immunoglobulin superfamily member 10; minus strand). Cytogenetic location: 3q25.1.
Variant type: single nucleotide variant.
Coding change: c.3062G>A on transcript NM_178822.5 (MANE Select); coding-DNA position 3062, G replaced by A.
Protein change: p.Arg1021Gln; replaces arginine 1021 with glutamine.
Molecular consequence: missense variant.
Genome position (GRCh38, 1-based): chr3:151,446,919, C>T on the plus strand (G>A on the coding strand, the complement: IGSF10 is on the minus strand). VCF-style: chr3-151446919-C-T. GRCh37 (hg19) VCF-style: chr3-151164707-C-T.
Other names: c.3062G>A, p.Arg1021Gln (NM_001385060.1, NM_001385061.1, NM_001385062.1 and 1 more transcripts); short protein forms R1021Q.
Identifiers: ClinVar variation 1449686 (VCV001449686.6), dbSNP rs35114212, ClinGen allele CA2670234.